The following is an entry in ClinVar:

NM_001135091.2(MUC15):c.327C>T (p.His109=)

Genes: MUC15 (mucin 15, cell surface associated; minus strand), ANO3 (anoctamin 3; plus strand). Cytogenetic location: 11p14.2.
Variant type: single nucleotide variant.
Coding change: c.327C>T on transcript NM_001135091.2 (MANE Select); coding-DNA position 327, C replaced by T.
Protein change: p.His109=; no amino-acid change (histidine 109 retained).
Molecular consequence: synonymous variant. On other transcripts: intron variant (3).
Genome position (GRCh38, 1-based): chr11:26,565,613, G>A on the plus strand (C>T on the coding strand, the complement: MUC15 is on the minus strand). VCF-style: chr11-26565613-G-A. GRCh37 (hg19) VCF-style: chr11-26587160-G-A.
Other names: c.327C>T, p.His109= (NM_001135092.2); c.246C>T, p.His82= (NM_145650.4); c.1630+5834G>A (NM_001313726.2); c.1447+5834G>A (NM_031418.4); c.1009+5834G>A (NM_001313727.2).
Identifiers: ClinVar variation 1694634 (VCV001694634.31), dbSNP rs144078350, ClinGen allele CA5926158.
Genomic context (GRCh38, chr11:26,565,613, plus strand): 5'-GGGTTTTAGACTGCCCAAAGAATGCTCTGCTGATGAGTTACTGGAGAAATCTGTTATTCC[G>A]TGGCTGTTGTTGGGTAGATTCAAAGGAGGGGAATGACTCGCCTTGAGATTTGAGGTGGTT-3'
Protein context (NP_001128563.1, residues 99-119): SPPLNLPNNS[His109=]GITDFSSNSS

ClinVar aggregate classification (germline): Likely benign (1 of 4 stars; one submission).

Allele frequency attached by ClinVar (database versions not stated): ExAC 0.00023; ESP Exome Variant Server 0.00023; gnomAD exomes 0.00031; gnomAD 0.00034 and 0.00035; TOPMed 0.00037.
gnomAD v4.1: 555 of 1,612,976 alleles (0.034%); highest among the groups gnomAD compares: Admixed American, 0.075%; no homozygotes.

Submission:

CeGaT Center for Human Genetics Tuebingen
Classification: Likely benign. Last evaluated: 2022-04-01. Review status: criteria provided, single submitter. Criteria: CeGaT Center For Human Genetics Tuebingen Variant Classification Criteria Version 2. Collection method: clinical testing. Allele origin: germline. Affected: yes. Observed: 1 variant allele.
Comment: MUC15: BP4, BP7